The following is an entry in ClinVar:

NM_000718.4(CACNA1B):c.4498G>A (p.Glu1500Lys)

Gene: CACNA1B (calcium voltage-gated channel subunit alpha1 B; plus strand). Cytogenetic location: 9q34.3.
Variant type: single nucleotide variant.
Coding change: c.4498G>A on transcript NM_000718.4 (MANE Select); coding-DNA position 4498, G replaced by A.
Protein change: p.Glu1500Lys; replaces glutamic acid 1500 with lysine.
Molecular consequence: missense variant.
Genome position (GRCh38, 1-based): chr9:138,059,103, G>A. VCF-style: chr9-138059103-G-A. GRCh37 (hg19) VCF-style: chr9-140953555-G-A.
Other names: c.4498G>A, p.Glu1500Lys (NM_001243812.2); short protein forms E1500K.
Identifiers: ClinVar variation 3365797 (VCV003365797.1).

ClinVar aggregate classification (germline): Uncertain significance (1 of 4 stars; one submission).

gnomAD v4.1: 1 of 1,612,102 alleles (0.000062%); highest among the groups gnomAD compares: Non-Finnish European, 0.000085%; no homozygotes.

Submission:

GeneDx
Classification: Uncertain significance. Last evaluated: 2023-12-21. Review status: criteria provided, single submitter. Criteria: GeneDx Variant Classification Process June 2021. Collection method: clinical testing. Allele origin: germline. Affected: yes.
Comment: Not observed at significant frequency in large population cohorts (gnomAD); In silico analysis supports that this missense variant has a deleterious effect on protein structure/function; Has not been previously published as pathogenic or benign to our knowledge; Variants in candidate genes are classified as variants of uncertain significance in accordance with ACMG guidelines (PMID: 25741868)